The following is an entry in ClinVar:

ClinVar aggregate classification (germline): Uncertain significance (1 of 4 stars; one submission).

Submission:

Labcorp Genetics (formerly Invitae), Labcorp
Classification: Uncertain significance. Last evaluated: 2024-11-05. Review status: criteria provided, single submitter. Criteria: Invitae Variant Classification Sherloc (09022015). Collection method: clinical testing. Allele origin: germline.
Comment: This sequence change replaces aspartic acid, which is acidic and polar, with histidine, which is basic and polar, at codon 561 of the MYH7B protein (p.Asp561His). This variant is not present in population databases (gnomAD no frequency). This variant has not been reported in the literature in individuals affected with MYH7B-related conditions. ClinVar contains an entry for this variant (Variation ID: 1514011). Invitae Evidence Modeling of protein sequence and biophysical properties (such as structural, functional, and spatial information, amino acid conservation, physicochemical variation, residue mobility, and thermodynamic stability) indicates that this missense variant is expected to disrupt MYH7B protein function with a positive predictive value of 80%. In summary, the available evidence is currently insufficient to determine the role of this variant in disease. Therefore, it has been classified as a Variant of Uncertain Significance.

NM_020884.7(MYH7B):c.1555G>C (p.Asp519His)

Gene: MYH7B (myosin heavy chain 7B; plus strand). Cytogenetic location: 20q11.22.
Variant type: single nucleotide variant.
Coding change: c.1555G>C on transcript NM_020884.7 (MANE Select); coding-DNA position 1555, G replaced by C.
Protein change: p.Asp519His; replaces aspartic acid 519 with histidine.
Molecular consequence: missense variant.
Genome position (GRCh38, 1-based): chr20:34,988,230, G>C. VCF-style: chr20-34988230-G-C. GRCh37 (hg19) VCF-style: chr20-33576033-G-C.
Other names: short protein forms D519H.
Identifiers: ClinVar variation 1514011 (VCV001514011.8), dbSNP rs2082069349, ClinGen allele CA408702493.